The following is an entry in ClinVar:

NM_012463.4(ATP6V0A2):c.1558A>G (p.Ser520Gly)

Gene: ATP6V0A2 (ATPase H+ transporting V0 subunit a2; plus strand). Cytogenetic location: 12q24.31.
Variant type: single nucleotide variant.
Coding change: c.1558A>G on transcript NM_012463.4 (MANE Select); coding-DNA position 1558, A replaced by G.
Protein change: p.Ser520Gly; replaces serine 520 with glycine.
Molecular consequence: missense variant.
Genome position (GRCh38, 1-based): chr12:123,744,925, A>G. VCF-style: chr12-123744925-A-G. GRCh37 (hg19) VCF-style: chr12-124229472-A-G.
Other names: short protein forms S520G.
Identifiers: ClinVar variation 2994599 (VCV002994599.2), dbSNP rs200768640, ClinGen allele CA6861962.

ClinVar aggregate classification (germline): Uncertain significance (1 of 4 stars; one submission).

Conditions:
ALG9 congenital disorder of glycosylation (CDG1L). Also called: CDG Il; CONGENITAL DISORDER OF GLYCOSYLATION, TYPE Il; ALG9-CDG. Identifiers: Orphanet 79328, MedGen C2931006, MONDO:0012117, OMIM 608776.

Allele frequency attached by ClinVar (database versions not stated): ExAC 0.00002.
gnomAD v4.1: 21 of 1,614,176 alleles (0.0013%); highest among the groups gnomAD compares: Non-Finnish European, 0.0016%; no homozygotes.

Submission:

Labcorp Genetics (formerly Invitae), Labcorp
Classification: Uncertain significance for ALG9 congenital disorder of glycosylation. Last evaluated: 2023-08-10. Review status: criteria provided, single submitter. Criteria: Invitae Variant Classification Sherloc (09022015). Collection method: clinical testing. Allele origin: germline.
Comment: This variant has not been reported in the literature in individuals affected with ATP6V0A2-related conditions. In summary, the available evidence is currently insufficient to determine the role of this variant in disease. Therefore, it has been classified as a Variant of Uncertain Significance. Advanced modeling of protein sequence and biophysical properties (such as structural, functional, and spatial information, amino acid conservation, physicochemical variation, residue mobility, and thermodynamic stability) performed at Invitae indicates that this missense variant is not expected to disrupt ATP6V0A2 protein function. This variant is present in population databases (rs200768640, gnomAD 0.003%). This sequence change replaces serine, which is neutral and polar, with glycine, which is neutral and non-polar, at codon 520 of the ATP6V0A2 protein (p.Ser520Gly).